The following is an entry in ClinVar:

NM_000092.5(COL4A4):c.4921T>C (p.Cys1641Arg)

Gene: COL4A4 (collagen type IV alpha 4 chain; minus strand). Cytogenetic location: 2q36.3.
Variant type: single nucleotide variant.
Coding change: c.4921T>C on transcript NM_000092.5 (MANE Select); coding-DNA position 4921, T replaced by C.
Protein change: p.Cys1641Arg; replaces cysteine 1641 with arginine.
Molecular consequence: missense variant.
Genome position (GRCh38, 1-based): chr2:227,007,477, A>G on the plus strand (T>C on the coding strand, the complement: COL4A4 is on the minus strand). VCF-style: chr2-227007477-A-G. GRCh37 (hg19) VCF-style: chr2-227872193-A-G.
Other names: short protein forms C1641R.
Identifiers: ClinVar variation 3061881 (VCV003061881.1), dbSNP rs1479278183, ClinGen allele CA351140183.

ClinVar aggregate classification (germline): Likely pathogenic (1 of 4 stars; one submission).

Conditions:
Autosomal recessive Alport syndrome (ATS2). Also called: Alport syndrome type 2; COL4A3-Related Nephropathy; COL4A4 Alport Syndrome and Thin Basement Membrane Nephropathy; ALPORT SYNDROME 2, AUTOSOMAL RECESSIVE. Identifiers: Orphanet 63, Orphanet 88919, MedGen C4746745, MONDO:0008762, OMIM 203780.

Allele frequency attached by ClinVar (database versions not stated): gnomAD exomes below 0.00001.
gnomAD v4.1: 2 of 1,614,200 alleles (0.00012%); highest among the groups gnomAD compares: Non-Finnish European, 0.00017%; no homozygotes.

Submission:

MVZ Medizinische Genetik Mainz
Classification: Likely pathogenic for Autosomal recessive Alport syndrome. Last evaluated: 2022-07-15. Review status: criteria provided, single submitter. Criteria: UK Practice Guidelines For Variant Classification V4 01 2020. Collection method: clinical testing. Allele origin: germline. Inheritance: Autosomal dominant inheritance. Affected: yes. Observed: 1 variant allele.
Comment: PM1_STR, PM2_SUP, PM5_SUP, PP3, PP4